The following is an entry in ClinVar:

NM_001161352.2(KCNMA1):c.3144C>T (p.Ser1048=)

Genes: KCNMA1 (potassium calcium-activated channel subfamily M alpha 1; minus strand), KCNMA1-AS1 (KCNMA1 antisense RNA 1; plus strand). Cytogenetic location: 10q22.3.
Variant type: single nucleotide variant.
Coding change: c.3144C>T on transcript NM_001161352.2 (MANE Select); coding-DNA position 3144, C replaced by T.
Protein change: p.Ser1048=; no amino-acid change (serine 1048 retained).
Molecular consequence: synonymous variant.
Genome position (GRCh38, 1-based): chr10:76,909,969, G>A on the plus strand (C>T on the coding strand, the complement: KCNMA1 is on the minus strand). VCF-style: chr10-76909969-G-A. GRCh37 (hg19) VCF-style: chr10-78669727-G-A.
Other names: c.2982C>T, p.Ser994= (NM_001014797.3); c.3093C>T, p.Ser1031= (NM_001161353.2); c.2820C>T, p.Ser940= (NM_001271518.2); c.3060C>T, p.Ser1020= (NM_001271519.2); c.2979C>T, p.Ser993= (NM_001322829.2, NM_001322836.2); c.3072C>T, p.Ser1024= (NM_001322830.2); c.2970C>T, p.Ser990= (NM_001322832.2, NM_002247.4); c.3063C>T, p.Ser1021= (NM_001322835.2, NM_001322837.2); and 1 more.
Identifiers: ClinVar variation 464296 (VCV000464296.41), dbSNP rs2227913, ClinGen allele CA5567909.
Genomic context (GRCh38, chr10:76,909,969, plus strand): 5'-TGCTCTATTGGCACATCCTCCACCCTTGAGTGAGGAGGAGGGAACAGGATAACTCACCGC[G>A]CTCATGAGTGAGTCCAGGACACTGACGGCAAATGCTGTCCCACAGGCAAAGGGCTGCGTG-3'
Protein context (NP_001154824.1, residues 1038-1058): FAVSVLDSLM[Ser1048=]ATYFNDNILT

ClinVar aggregate classification (germline): Likely benign. Review status: criteria provided, multiple submitters, no conflicts (2 of 4 stars). 7 submissions from 7 submitters: Likely benign (5). 2 of the submissions do not count toward it. Last evaluated 2026-02-02.

Conditions:
KCNMA1-related disorder. Also called: KCNMA1-related disorders; KCNMA1-related condition.
Generalized epilepsy-paroxysmal dyskinesia syndrome (PNKD3). Also called: Paroxysmal nonkinesigenic dyskinesia, 3, with or without generalized epilepsy; Generalized epilepsy and paroxysmal dyskinesia. Identifiers: Orphanet 79137, MedGen C5574945, MONDO:0012276, OMIM 609446.

Allele frequency attached by ClinVar (database versions not stated): ExAC 0.00014; 1000 Genomes Project 0.00040; 1000 Genomes Project 30x 0.00047; gnomAD 0.00006 and 0.00008; ESP Exome Variant Server 0.00008; gnomAD exomes 0.00008 and 0.00013; TOPMed 0.00009.
gnomAD v4.1: 140 of 1,613,570 alleles (0.0087%); highest among the groups gnomAD compares: Middle Eastern, 0.066%; 1 homozygote.

Submissions (7):

Labcorp Genetics (formerly Invitae), Labcorp
Classification: Likely benign for Generalized epilepsy-paroxysmal dyskinesia syndrome. Last evaluated: 2026-02-02. Review status: criteria provided, single submitter. Criteria: Invitae Variant Classification Sherloc (09022015). Collection method: clinical testing. Allele origin: germline.

PreventionGenetics, part of Exact Sciences
Classification: Likely benign for KCNMA1-related condition. Last evaluated: 2025-06-30. Review status: criteria provided, single submitter. Criteria: ACMG Guidelines, 2015. Collection method: clinical testing. Allele origin: germline.
Comment: This variant is classified as likely benign based on ACMG/AMP sequence variant interpretation guidelines (Richards et al. 2015 PMID: 25741868, with internal and published modifications).

CeGaT Center for Human Genetics Tuebingen
Classification: Likely benign. Last evaluated: 2025-05-01. Review status: criteria provided, single submitter. Criteria: CeGaT Center For Human Genetics Tuebingen Variant Classification Criteria Version 2. Collection method: clinical testing. Allele origin: germline. Affected: yes. Observed: 2 variant alleles.
Comment: KCNMA1: BP4, BP7

Blueprint Genetics
Classification: Likely benign. Last evaluated: 2024-11-25. Review status: criteria provided, single submitter. Criteria: ACMG Guidelines, 2015. Collection method: clinical testing. Allele origin: germline.

GeneDx
Classification: Likely benign. Last evaluated: 2018-11-26. Review status: criteria provided, single submitter. Criteria: GeneDx Variant Classification Process June 2021. Collection method: clinical testing. Allele origin: germline. Affected: yes.

Clinical Genetics DNA and cytogenetics Diagnostics Lab, Erasmus MC, Erasmus Medical Center
Classification: Likely benign. Review status: no assertion criteria provided. Collection method: clinical testing. Allele origin: germline. Affected: yes. Study: VKGL Data-share Consensus. Not counted in ClinVar's aggregate classification.

Genome Diagnostics Laboratory, University Medical Center Utrecht
Classification: Likely benign. Review status: no assertion criteria provided. Collection method: clinical testing. Allele origin: germline. Affected: yes. Study: VKGL Data-share Consensus. Not counted in ClinVar's aggregate classification.